The following is an entry in ClinVar:

ClinVar aggregate classification (germline): Uncertain significance (1 of 4 stars; one submission).

Conditions:
EGFR-related lung cancer (EGFR). Identifiers: MedGen CN130014.

Submission:

Labcorp Genetics (formerly Invitae), Labcorp
Classification: Uncertain significance for EGFR-related lung cancer. Last evaluated: 2021-12-05. Review status: criteria provided, single submitter. Criteria: Invitae Variant Classification Sherloc (09022015). Collection method: clinical testing. Allele origin: germline.
Comment: In summary, the available evidence is currently insufficient to determine the role of this variant in disease. Therefore, it has been classified as a Variant of Uncertain Significance. Algorithms developed to predict the effect of missense changes on protein structure and function are either unavailable or do not agree on the potential impact of this missense change (SIFT: "Deleterious"; PolyPhen-2: "Probably Damaging"; Align-GVGD: "Class C0"). This variant has not been reported in the literature in individuals affected with EGFR-related conditions. This variant is not present in population databases (gnomAD no frequency). This sequence change replaces glutamic acid, which is acidic and polar, with lysine, which is basic and polar, at codon 762 of the EGFR protein (p.Glu762Lys).

NM_005228.5(EGFR):c.2284G>A (p.Glu762Lys)

Genes: EGFR (epidermal growth factor receptor; plus strand), EGFR-AS1 (EGFR antisense RNA 1; minus strand). Cytogenetic location: 7p11.2.
Variant type: single nucleotide variant.
Coding change: c.2284G>A on transcript NM_005228.5 (MANE Select); coding-DNA position 2284, G replaced by A.
Protein change: p.Glu762Lys; replaces glutamic acid 762 with lysine.
Molecular consequence: missense variant. On other transcripts: non-coding transcript variant (1).
Genome position (GRCh38, 1-based): chr7:55,181,293, G>A. VCF-style: chr7-55181293-G-A. GRCh37 (hg19) VCF-style: chr7-55248986-G-A.
Other names: c.2149G>A, p.Glu717Lys (NM_001346897.2, NM_001346899.2); c.2284G>A, p.Glu762Lys (NM_001346898.2); c.2125G>A, p.Glu709Lys (NM_001346900.2); c.1483G>A, p.Glu495Lys (NM_001346941.2); short protein forms E495K, E709K, E762K, E717K.
Identifiers: ClinVar variation 2033085 (VCV002033085.4), dbSNP rs2128958217, ClinGen allele CA367578484.